The following is an entry in ClinVar:

NM_004523.4(KIF11):c.1309A>G (p.Thr437Ala)

Gene: KIF11 (kinesin family member 11; plus strand). Cytogenetic location: 10q23.33.
Variant type: single nucleotide variant.
Coding change: c.1309A>G on transcript NM_004523.4 (MANE Select); coding-DNA position 1309, A replaced by G.
Protein change: p.Thr437Ala; replaces threonine 437 with alanine.
Molecular consequence: missense variant.
Genome position (GRCh38, 1-based): chr10:92,630,179, A>G. VCF-style: chr10-92630179-A-G. GRCh37 (hg19) VCF-style: chr10-94389936-A-G.
Other names: short protein forms T437A.
Identifiers: ClinVar variation 773237 (VCV000773237.22), dbSNP rs202198199, ClinGen allele CA5604183.
Genomic context (GRCh38, chr10:92,630,179, plus strand): 5'-TGAACTAGCTAGATATCCTACCAGCCAGCTCAGCGTTTTTTAAATTCTTATATTTAGGTT[A>G]CAGAGTTGTTTATGGATAATAAAAATGAACTTGACCAGTGTAAATCTGACCTGCAAAATA-3'
Protein context (NP_004514.2, residues 427-447): GAVEEELNRV[Thr437Ala]ELFMDNKNEL

ClinVar aggregate classification (germline): Likely benign. Review status: criteria provided, multiple submitters, no conflicts (2 of 4 stars). 5 submissions from 5 submitters: Likely benign (4). 1 of the submissions does not count toward it. Last evaluated 2025-11-12.

Conditions:
Inborn genetic diseases. Identifiers: MedGen C0950123, MeSH D030342.
KIF11-related disorder. Also called: KIF11-related condition.

Allele frequency attached by ClinVar (database versions not stated): gnomAD exomes 0.00007 and 0.00017; ExAC 0.00023; 1000 Genomes Project 30x 0.00031; gnomAD 0.00033; 1000 Genomes Project 0.00040; TOPMed 0.00040.
gnomAD v4.1: 149 of 1,512,922 alleles (0.0098%); highest among the groups gnomAD compares: Admixed American, 0.18%; 2 homozygotes.

Submissions (5):

Labcorp Genetics (formerly Invitae), Labcorp
Classification: Likely benign. Last evaluated: 2025-11-12. Review status: criteria provided, single submitter. Criteria: Invitae Variant Classification Sherloc (09022015). Collection method: clinical testing. Allele origin: germline.

CeGaT Center for Human Genetics Tuebingen
Classification: Likely benign. Last evaluated: 2025-09-01. Review status: criteria provided, single submitter. Criteria: CeGaT Center For Human Genetics Tuebingen Variant Classification Criteria Version 2. Collection method: clinical testing. Allele origin: germline. Affected: yes. Observed: 1 variant allele.
Comment: KIF11: BP4, BS1

Ambry Genetics
Classification: Likely benign for Inborn genetic diseases. Last evaluated: 2024-12-23. Review status: criteria provided, single submitter. Criteria: Ambry Variant Classification Scheme 2023. Collection method: clinical testing. Allele origin: germline.

Blueprint Genetics
Classification: Likely benign. Last evaluated: 2024-02-28. Review status: criteria provided, single submitter. Criteria: ACMG Guidelines, 2015. Collection method: clinical testing. Allele origin: germline.

PreventionGenetics, part of Exact Sciences
Classification: Likely benign for KIF11-related condition. Last evaluated: 2021-07-16. Review status: no assertion criteria provided. Collection method: clinical testing. Allele origin: germline. Not counted in ClinVar's aggregate classification.
Comment: This variant is classified as likely benign based on ACMG/AMP sequence variant interpretation guidelines (Richards et al. 2015 PMID: 25741868, with internal and published modifications).